The following is an entry in ClinVar:

ClinVar aggregate classification (germline): Uncertain significance. Review status: criteria provided, multiple submitters, no conflicts (2 of 4 stars). 2 submissions from 2 submitters: Uncertain significance (2). Last evaluated 2024-04-16.

Conditions:
Familial thoracic aortic aneurysm and aortic dissection (TAAD). Also called: Thoracic aortic aneurysms and dissections. Identifiers: Orphanet 91387, MedGen C4707243, MONDO:0019625.
Ehlers-Danlos syndrome, type 4 (EDSVASC). Also called: Ehlers-Danlos syndrome vascular type; Ehlers Danlos syndrome, ecchymotic type; Ehlers Danlos syndrome, arterial type; Ehlers Danlos syndrome, Sack-Barabas type; Ehlers-Danlos Syndrome Type IV. Identifiers: Orphanet 286, MedGen C0268338, MONDO:0017314, OMIM 130050.

Submissions (2):

All of Us Research Program, National Institutes of Health
Classification: Uncertain significance for Ehlers-Danlos syndrome, type 4. Last evaluated: 2024-04-16. Review status: criteria provided, single submitter. Criteria: ACMG Guidelines, 2015. Collection method: clinical testing. Allele origin: germline. Inheritance: Autosomal dominant inheritance. Observed: 1 variant allele, 1 heterozygote.
Comment: This missense variant replaces alanine with valine at codon 316 of the COL3A1 protein. Computational prediction suggests that this variant may not impact protein structure and function (internally defined REVEL score threshold <= 0.5, PMID: 27666373). To our knowledge, functional studies have not been reported for this variant. This variant has not been reported in individuals affected with cardiovascular disorders in the literature. This variant has not been identified in the general population by the Genome Aggregation Database (gnomAD). The available evidence is insufficient to determine the role of this variant in disease conclusively. Therefore, this variant is classified as a Variant of Uncertain Significance.

This study involves interpretation of variants in research participants for the purpose of population health screening. Participant phenotype was not available at the time of variant classification. Additional details can be found in publication PMID: 35346344, PMCID: PMC8962531

Color Diagnostics, LLC DBA Color Health
Classification: Uncertain significance for Familial thoracic aortic aneurysm and aortic dissection. Last evaluated: 2024-03-06. Review status: criteria provided, single submitter. Criteria: ACMG Guidelines, 2015. Collection method: clinical testing. Allele origin: germline.
Comment: This missense variant replaces alanine with valine at codon 316 of the COL3A1 protein. Computational prediction suggests that this variant may not impact protein structure and function (internally defined REVEL score threshold <= 0.5, PMID: 27666373). To our knowledge, functional studies have not been reported for this variant. This variant has not been reported in individuals affected with cardiovascular disorders in the literature. This variant has not been identified in the general population by the Genome Aggregation Database (gnomAD). The available evidence is insufficient to determine the role of this variant in disease conclusively. Therefore, this variant is classified as a Variant of Uncertain Significance.

NM_000090.4(COL3A1):c.947C>T (p.Ala316Val)

Gene: COL3A1 (collagen type III alpha 1 chain; plus strand). Cytogenetic location: 2q32.2.
Variant type: single nucleotide variant.
Coding change: c.947C>T on transcript NM_000090.4 (MANE Select); coding-DNA position 947, C replaced by T.
Protein change: p.Ala316Val; replaces alanine 316 with valine.
Molecular consequence: missense variant.
Genome position (GRCh38, 1-based): chr2:188,991,718, C>T. VCF-style: chr2-188991718-C-T. GRCh37 (hg19) VCF-style: chr2-189856444-C-T.
Other names: short protein forms A316V.
Identifiers: ClinVar variation 1172403 (VCV001172403.4), dbSNP rs2153502123, ClinGen allele CA349850055.